The following is an entry in ClinVar:

ClinVar aggregate classification (germline): Uncertain significance (1 of 4 stars; one submission).

Submission:

CeGaT Center for Human Genetics Tuebingen
Classification: Uncertain significance. Last evaluated: 2022-03-01. Review status: criteria provided, single submitter. Criteria: CeGaT Center For Human Genetics Tuebingen Variant Classification Criteria Version 2. Collection method: clinical testing. Allele origin: germline. Affected: yes. Observed: 1 variant allele.
Comment: ARFGEF3: PM2, BP4

NM_020340.5(ARFGEF3):c.3503-8T>C

Gene: ARFGEF3 (ARFGEF family member 3; plus strand). Cytogenetic location: 6q23.3.
Variant type: single nucleotide variant.
Coding change: c.3503-8T>C on transcript NM_020340.5 (MANE Select); 8 bases into the intron before coding-DNA position 3503, T replaced by C.
Molecular consequence: intron variant.
Genome position (GRCh38, 1-based): chr6:138,296,802, T>C. VCF-style: chr6-138296802-T-C. GRCh37 (hg19) VCF-style: chr6-138617939-T-C.
Identifiers: ClinVar variation 2656939 (VCV002656939.24), dbSNP rs2482583910, ClinGen allele CA2695198362.
Genomic context (GRCh38, chr6:138,296,802, plus strand): 5'-TTGCTTGAATAGGTCAGACTATGTCTGAGTTTTGGCTTTCTGGCATTTATGTTCTTGCCT[T>C]CCTGTAGGAGAAGTTAAATCCACTCAAGACCGAAAAAGCGCCCTCCACCTGTTCCGCCTG-3'